The following is an entry in ClinVar:

ClinVar aggregate classification (germline): Pathogenic/Likely pathogenic. Review status: criteria provided, multiple submitters, no conflicts (2 of 4 stars). 2 submissions from 2 submitters: Pathogenic (1); Likely pathogenic (1). Last evaluated 2024-11-13.

Conditions:
Hereditary cancer-predisposing syndrome. Also called: Neoplastic Syndromes, Hereditary; Hereditary Cancer Syndrome; Hereditary neoplastic syndrome; Tumor predisposition. Identifiers: Orphanet 140162, MedGen C0027672, MeSH D009386, MONDO:0015356.
Ataxia-telangiectasia syndrome (AT). Also called: ATAXIA-TELANGIECTASIA, COMPLEMENTATION GROUP A; ATAXIA-TELANGIECTASIA, FRESNO VARIANT; Ataxia-telangiectasia, complementation group E; Ataxia telangiectasia (A-T); LOUIS-BAR SYNDROME; Cerebello-oculocutaneous telangiectasia. Identifiers: Orphanet 100, MedGen C0004135, MONDO:0008840, OMIM 208900.

Submissions (2):

Natera, Inc.
Classification: Likely pathogenic for Ataxia-telangiectasia. Last evaluated: 2024-11-13. Review status: criteria provided, single submitter. Criteria: Natera Variant Classification Schema (03/2026). Collection method: clinical testing. Allele origin: germline.
Comment: The c.3387del variant in ATM is a frameshift variant predicted to shift the reading frame beginning at codon 1130 and leads to a stop codon 2 codons downstream. This variant is expected to result in nonsense mediated decay, truncation, or a dysfunctional protein product. This variant is rare in the general population with a frequency below the threshold expected for the associated phenotype(s). Given the available evidence, this variant is classified as Likely Pathogenic.

Ambry Genetics
Classification: Pathogenic for Hereditary cancer-predisposing syndrome. Last evaluated: 2018-10-01. Review status: criteria provided, single submitter. Criteria: Ambry Variant Classification Scheme 2023. Collection method: clinical testing. Allele origin: germline.
Comment: The c.3387delA pathogenic mutation, located in coding exon 22 of the ATM gene, results from a deletion of one nucleotide at nucleotide position 3387, causing a translational frameshift with a predicted alternate stop codon (p.G1130Efs*2). This alteration is expected to result in loss of function by premature protein truncation or nonsense-mediated mRNA decay. As such, this alteration is interpreted as a disease-causing mutation.

NM_000051.4(ATM):c.3387del (p.Gly1130fs)

Gene: ATM (ATM serine/threonine kinase; plus strand). Cytogenetic location: 11q22.3.
Variant type: Deletion.
Coding change: c.3387del on transcript NM_000051.4 (MANE Select); coding-DNA position 3387, one base deleted (A; older notation c.3387delA).
Protein change: p.Gly1130fs; shifts the reading frame from glycine 1130.
Molecular consequence: frameshift variant.
Genome position (GRCh38, 1-based): chr11:108,279,593, A deleted; the last of 2 consecutive A bases (chr11:108,279,592-108,279,593); deleting either gives the same sequence. VCF-style (leftmost placement, unchanged base first): chr11-108279591-GA-G. GRCh37 (hg19) VCF-style: chr11-108150318-GA-G.
Other names: c.3387del, p.Gly1130fs (NM_001351834.2); c.3387delA (NM_000051.3); c.3387del (NM_000051.3); short protein forms G1130fs.
Identifiers: ClinVar variation 823703 (VCV000823703.5), dbSNP rs1591632498, ClinGen allele CA915944392.